The following is an entry in ClinVar:

ClinVar aggregate classification (germline): Uncertain significance (1 of 4 stars; one submission).

Conditions:
Cardiovascular phenotype. Identifiers: MedGen CN230736.

Allele frequency attached by ClinVar (database versions not stated): TOPMed below 0.00001; ExAC 0.00009.
gnomAD v4.1: 11 of 1,544,314 alleles (0.00071%); highest among the groups gnomAD compares: South Asian, 0.006%; no homozygotes.

Submission:

Ambry Genetics
Classification: Uncertain significance for Cardiovascular phenotype. Last evaluated: 2023-04-14. Review status: criteria provided, single submitter. Criteria: Ambry Variant Classification Scheme 2023. Collection method: clinical testing. Allele origin: germline.
Comment: The p.R3365Q variant (also known as c.10094G>A), located in coding exon 2 of the ZNF469 gene, results from a G to A substitution at nucleotide position 10094. The arginine at codon 3365 is replaced by glutamine, an amino acid with highly similar properties. This amino acid position is conserved. In addition, this alteration is predicted to be tolerated by in silico analysis. Since supporting evidence is limited at this time, the clinical significance of this alteration remains unclear.

NM_001367624.2(ZNF469):c.10178G>A (p.Arg3393Gln)

Gene: ZNF469 (zinc finger protein 469; plus strand). Cytogenetic location: 16q24.2.
Variant type: single nucleotide variant.
Coding change: c.10178G>A on transcript NM_001367624.2 (MANE Select); coding-DNA position 10178, G replaced by A.
Protein change: p.Arg3393Gln; replaces arginine 3393 with glutamine.
Molecular consequence: missense variant.
Genome position (GRCh38, 1-based): chr16:88,437,648, G>A. VCF-style: chr16-88437648-G-A. GRCh37 (hg19) VCF-style: chr16-88504056-G-A.
Other names: NM_001127464.1:c.10094G>A; short protein forms R3393Q.
Identifiers: ClinVar variation 2564228 (VCV002564228.2), dbSNP rs773264104, ClinGen allele CA8225477.